The following is an entry in ClinVar:

NM_001378778.1(MPDZ):c.1680T>C (p.Ser560=)

Gene: MPDZ (multiple PDZ domain crumbs cell polarity complex component; minus strand). Cytogenetic location: 9p23.
Variant type: single nucleotide variant.
Coding change: c.1680T>C on transcript NM_001378778.1 (MANE Select); coding-DNA position 1680, T replaced by C.
Protein change: p.Ser560=; no amino-acid change (serine 560 retained).
Molecular consequence: synonymous variant.
Genome position (GRCh38, 1-based): chr9:13,193,290, A>G on the plus strand (T>C on the coding strand, the complement: MPDZ is on the minus strand). VCF-style: chr9-13193290-A-G. GRCh37 (hg19) VCF-style: chr9-13193289-A-G.
Other names: c.1680T>C, p.Ser560= (NM_001261406.2, NM_001261407.2, NM_001330637.2 and 14 more transcripts); c.1680T>C (NM_003829.4).
Identifiers: ClinVar variation 1538974 (VCV001538974.9), dbSNP rs144519854, ClinGen allele CA4987702.
Genomic context (GRCh38, chr9:13,193,290, plus strand): 5'-AGATCGGATAAAATGATGTCCCACTGTCGCTTCCAGGCTTATCCCCAATCCACTGTTCTC[A>G]CTAAACTTGCTCACATGGGCCACCTGAAAAGAAAAAAAAAAAGATCACCACAATTTTTAT-3'
Protein context (NP_001365707.1, residues 550-570): EIVVAHVSKF[Ser560=]ENSGLGISLE

ClinVar aggregate classification (germline): Likely benign. Review status: criteria provided, multiple submitters, no conflicts (2 of 4 stars). 2 submissions from 2 submitters: Likely benign (2). Last evaluated 2026-03-27.

Conditions:
MPDZ-related disorder. Also called: MPDZ-related condition.

Allele frequency attached by ClinVar (database versions not stated): gnomAD exomes 0.00003 and 0.00006; ExAC 0.00012; TOPMed 0.00030; gnomAD 0.00032 and 0.00036; ESP Exome Variant Server 0.00033; 1000 Genomes Project 0.00040; 1000 Genomes Project 30x 0.00047.
gnomAD v4.1: 99 of 1,608,090 alleles (0.0062%); highest among the groups gnomAD compares: African/African-American, 0.11%; no homozygotes.

Submissions (2):

PreventionGenetics, part of Exact Sciences
Classification: Likely benign for MPDZ-related condition. Last evaluated: 2026-03-27. Review status: criteria provided, single submitter. Criteria: ACMG Guidelines, 2015. Collection method: clinical testing. Allele origin: germline.
Comment: This variant is classified as likely benign based on ACMG/AMP sequence variant interpretation guidelines (Richards et al. 2015 PMID: 25741868, with internal and published modifications).

Labcorp Genetics (formerly Invitae), Labcorp
Classification: Likely benign. Last evaluated: 2025-10-21. Review status: criteria provided, single submitter. Criteria: Invitae Variant Classification Sherloc (09022015). Collection method: clinical testing. Allele origin: germline.